The following is an entry in ClinVar:

ClinVar aggregate classification (germline): Uncertain significance (1 of 4 stars; one submission).

Conditions:
Hereditary sensory and autonomic neuropathy type 6. Also called: Neuropathy, hereditary sensory and autonomic, type VI; HSAN VI. Identifiers: Orphanet 314381, MedGen C3539003, MONDO:0013839, OMIM 614653.
Epidermolysis bullosa simplex 3, localized or generalized intermediate, with BP230 deficiency (EBS3). Also called: Epidermolysis bullosa simplex due to BP230 deficiency; Epidermolysis bullosa simplex, autosomal recessive 2. Identifiers: Orphanet 412181, MedGen C3809470, MONDO:0014180, OMIM 615425.

Allele frequency attached by ClinVar (database versions not stated): gnomAD 0.00001; gnomAD exomes 0.00001.
gnomAD v4.1: 17 of 1,613,998 alleles (0.0011%); highest among the groups gnomAD compares: Non-Finnish European, 0.0014%; no homozygotes.

Submission:

Labcorp Genetics (formerly Invitae), Labcorp
Classification: Uncertain significance for Epidermolysis bullosa simplex 3, localized or generalized intermediate, with BP230 deficiency; Hereditary sensory and autonomic neuropathy type 6. Last evaluated: 2022-06-26. Review status: criteria provided, single submitter. Criteria: Invitae Variant Classification Sherloc (09022015). Collection method: clinical testing. Allele origin: germline.
Comment: This sequence change replaces cysteine, which is neutral and slightly polar, with arginine, which is basic and polar, at codon 570 of the DST protein (p.Cys570Arg). This variant is not present in population databases (gnomAD no frequency). This variant has not been reported in the literature in individuals affected with DST-related conditions. Algorithms developed to predict the effect of missense changes on protein structure and function (SIFT, PolyPhen-2, Align-GVGD) all suggest that this variant is likely to be disruptive. In summary, the available evidence is currently insufficient to determine the role of this variant in disease. Therefore, it has been classified as a Variant of Uncertain Significance.

NM_001374736.1(DST):c.3319T>C (p.Cys1107Arg)

Gene: DST (dystonin; minus strand). Cytogenetic location: 6p12.1.
Variant type: single nucleotide variant.
Coding change: c.3319T>C on transcript NM_001374736.1 (MANE Select); coding-DNA position 3319, T replaced by C.
Protein change: p.Cys1107Arg; replaces cysteine 1107 with arginine.
Molecular consequence: missense variant.
Genome position (GRCh38, 1-based): chr6:56,634,821, A>G on the plus strand (T>C on the coding strand, the complement: DST is on the minus strand). VCF-style: chr6-56634821-A-G. GRCh37 (hg19) VCF-style: chr6-56499619-A-G.
Other names: c.3220T>C, p.Cys1074Arg (NM_001144769.5); c.2806T>C, p.Cys936Arg (NM_001144770.2); c.3319T>C, p.Cys1107Arg (NM_001374722.1); c.2686T>C, p.Cys896Arg (NM_001374729.1, NM_001374730.1, NM_001386100.1 and 1 more transcripts); c.3346T>C, p.Cys1116Arg (NM_001374734.1); c.1708T>C, p.Cys570Arg (NM_001723.7, NM_015548.5); short protein forms C1107R, C936R, C570R, C896R, C1074R, C1116R.
Identifiers: ClinVar variation 2149454 (VCV002149454.1), dbSNP rs1563344374, ClinGen allele CA364576225.